The following is an entry in ClinVar:

ClinVar aggregate classification (germline): Likely benign. Review status: criteria provided, multiple submitters, no conflicts (2 of 4 stars). 2 submissions from 2 submitters: Likely benign (2). Last evaluated 2025-02-10.

Allele frequency attached by ClinVar (database versions not stated): TOPMed 0.00002; ExAC 0.00003; gnomAD 0.00003; gnomAD exomes 0.00003; 1000 Genomes Project 0.00020; 1000 Genomes Project 30x 0.00031.
gnomAD v4.1: 22 of 1,609,776 alleles (0.0014%); highest among the groups gnomAD compares: Admixed American, 0.013%; no homozygotes.

Submissions (2):

Labcorp Genetics (formerly Invitae), Labcorp
Classification: Likely benign. Last evaluated: 2025-02-10. Review status: criteria provided, single submitter. Criteria: Invitae Variant Classification Sherloc (09022015). Collection method: clinical testing. Allele origin: germline.

Laboratory for Molecular Medicine, Mass General Brigham Personalized Medicine
Classification: Likely benign. Last evaluated: 2016-05-05. Review status: criteria provided, single submitter. Criteria: LMM Criteria. Collection method: clinical testing. Allele origin: germline. Observed: 1 variant allele.
Comment: p.Gly66Gly in exon 5 of MSRB3: This variant is not expected to have clinical si gnificance because it does not alter an amino acid residue and is not located wi thin the splice consensus sequence. This variant has been identified in 3/11548 Latino chromosomes by the Exome Aggregation Consortium (ExAC; dbSNP 183150969).

NM_001031679.3(MSRB3):c.198A>C (p.Gly66=)

Gene: MSRB3 (methionine sulfoxide reductase B3; plus strand). Cytogenetic location: 12q14.3.
Variant type: single nucleotide variant.
Coding change: c.198A>C on transcript NM_001031679.3 (MANE Select); coding-DNA position 198, A replaced by C.
Protein change: p.Gly66=; no amino-acid change (glycine 66 retained).
Molecular consequence: synonymous variant.
Genome position (GRCh38, 1-based): chr12:65,328,538, A>C. VCF-style: chr12-65328538-A-C. GRCh37 (hg19) VCF-style: chr12-65722318-A-C.
Other names: c.198A>C, p.Gly66= (NM_001193460.2, NM_001193461.2); c.219A>C, p.Gly73= (NM_198080.4).
Identifiers: ClinVar variation 504958 (VCV000504958.5), dbSNP rs183150969, ClinGen allele CA6671426.